The following is an entry in ClinVar:

NM_001034853.2(RPGR):c.427A>T (p.Lys143Ter)

Gene: RPGR (retinitis pigmentosa GTPase regulator; minus strand). Cytogenetic location: Xp11.4.
Variant type: single nucleotide variant.
Coding change: c.427A>T on transcript NM_001034853.2 (MANE Select); coding-DNA position 427, A replaced by T.
Protein change: p.Lys143Ter; replaces lysine 143 with a stop codon.
Molecular consequence: nonsense. On other transcripts: non-coding transcript variant (6).
Genome position (GRCh38, 1-based): chrX:38,318,871, T>A on the plus strand (A>T on the coding strand, the complement: RPGR is on the minus strand). VCF-style: chrX-38318871-T-A. GRCh37 (hg19) VCF-style: chrX-38178124-T-A.
Other names: c.427A>T, p.Lys143Ter (NM_000328.3, NM_001367245.1, NM_001367246.1 and 3 more transcripts); c.457A>T, p.Lys153Ter (NM_001367248.1); c.424A>T, p.Lys142Ter (NM_001367249.1); short protein forms K142*, K143*, K153*.
Identifiers: ClinVar variation 1802301 (VCV001802301.3), dbSNP rs2519894551, ClinGen allele CA412745073.

ClinVar aggregate classification (germline): Pathogenic/Likely pathogenic. Review status: criteria provided, multiple submitters, no conflicts (2 of 4 stars). 2 submissions from 2 submitters: Pathogenic (1); Likely pathogenic (1). Last evaluated 2025-10-17.

Conditions:
Primary ciliary dyskinesia. Also called: Ciliary dyskinesia. Identifiers: Orphanet 244, MedGen C0008780, MONDO:0016575, HP:0012265.

Submissions (2):

Labcorp Genetics (formerly Invitae), Labcorp
Classification: Pathogenic for Primary ciliary dyskinesia. Last evaluated: 2025-10-17. Review status: criteria provided, single submitter. Criteria: Invitae Variant Classification Sherloc (09022015). Collection method: clinical testing. Allele origin: germline.
Comment: This sequence change creates a premature translational stop signal (p.Lys143*) in the RPGR gene. It is expected to result in an absent or disrupted protein product. Loss-of-function variants in RPGR are known to be pathogenic (PMID: 16055928, 16969763). This variant is not present in population databases (gnomAD no frequency). This premature translational stop signal has been observed in individual(s) with RPGR-related conditions (PMID: 38586605). ClinVar contains an entry for this variant (Variation ID: 1802301). Algorithms developed to predict the effect of sequence changes on RNA splicing suggest that this variant may disrupt the consensus splice site. For these reasons, this variant has been classified as Pathogenic.

PreventionGenetics, part of Exact Sciences
Classification: Likely pathogenic. Last evaluated: 2016-12-01. Review status: criteria provided, single submitter. Criteria: ACMG Guidelines, 2015. Collection method: clinical testing. Allele origin: germline.

Literature cited by the submitters: PubMed 16055928 (cited by Labcorp Genetics (formerly Invitae), Labcorp); PubMed 16969763 (cited by Labcorp Genetics (formerly Invitae), Labcorp); PubMed 38586605 (cited by Labcorp Genetics (formerly Invitae), Labcorp).